The following is an entry in ClinVar:

ClinVar aggregate classification (germline): Uncertain significance (3 of 4 stars; one submission).

Conditions:
Immunodeficiency 14 (IMD14A). Also called: p110-DELTA-ACTIVATING MUTATION CAUSING SENESCENT T CELLS, LYMPHADENOPATHY, AND IMMUNODEFICIENCY; IMMUNODEFICIENCY 14A WITH LYMPHOPROLIFERATION, AUTOSOMAL DOMINANT; ACTIVATED PI3K-DELTA SYNDROME 1; Activated PI3K Delta Syndrome Type 1 (APDS1). Identifiers: Orphanet 397596, Orphanet 693661, MedGen C5907821, MONDO:0014222, OMIM 615513.

gnomAD v4.1: 1 of 1,613,446 alleles (0.000062%); highest among the groups gnomAD compares: Non-Finnish European, 0.000085%; no homozygotes.

Submission:

ClinGen Primary Immune Regulatory Disorders Variant Curation Expert Panel, ClinGen
Classification: Uncertain significance for Immunodeficiency 14. Last evaluated: 2025-12-19. Review status: reviewed by expert panel. Criteria: ClinGen AbDef ACMG Specifications PIK3CD V1.0.0. Collection method: curation. Allele origin: germline. Inheritance: Autosomal dominant inheritance.
Comment: NM_005026.5(PIK3CD):c.331A>C (p.Lys111Gln) is a missense variant that causes substitution of lysine by glutamine at amino acid 111. This variant is present in gnomAD v4.1.0 at a total combined allele frequency of 0.0000006198, with 1 allele / 1,613,446 total alleles across all populations of gnomAD, which is lower than the ClinGen Antibody Deficiencies VCEP PM2_Supporting threshold of <0.00000132 (PM2_Supporting). The variant has been identified in a hepatosplenic T-cell lymphoma sample as a somatically acquired potential driver mutation (PMID: 28122867). DERL2 hepatosplenic T-cell lymphoma cells exogenously overexpressing the variant showed greatly increased phosphorylation of AKT relative to the wild-type control (PMID: 28122867, PS3_Supporting). The computational predictor REVEL gives a score of 0.205, which is below the ClinGen Antibody Deficiencies VCEP threshold of <0.290 and predicts a non-damaging effect on PIK3CD function. The computational predictor CADD gives a PHRED score of 24.1, which is above the ClinGen Antibody Deficiencies VCEP threshold of <22.7 and does not predict a non-deleterious effect on PIK3CD function. Because the two predictors do not agree on a non-damaging effect, BP4 is not met. In summary, this variant meets the criteria to be classified as a variant of uncertain significance for autosomal dominant immunodeficiency 14 based on the ACMG/AMP criteria applied, as specified by the ClinGen Antibody Deficiencies VCEP: PM2_Supporting and PS3_Supporting. (VCEP specifications version 1.0.0).

Literature cited by the submitters: PubMed 28122867.

NM_005026.5(PIK3CD):c.331A>C (p.Lys111Gln)

Gene: PIK3CD (phosphatidylinositol-4,5-bisphosphate 3-kinase catalytic subunit delta; plus strand). Cytogenetic location: 1p36.22.
Variant type: single nucleotide variant.
Coding change: c.331A>C on transcript NM_005026.5 (MANE Select); coding-DNA position 331, A replaced by C.
Protein change: p.Lys111Gln; replaces lysine 111 with glutamine.
Molecular consequence: missense variant.
Genome position (GRCh38, 1-based): chr1:9,715,730, A>C. VCF-style: chr1-9715730-A-C. GRCh37 (hg19) VCF-style: chr1-9775788-A-C.
Other names: NM_005026.5:c.331A>C; c.331A>C, p.Lys111Gln (NM_001350234.2, NM_001350235.1, NM_001437546.1 and 3 more transcripts); short protein forms K111Q.
Identifiers: ClinVar variation 4684965 (VCV004684965.1).
Genomic context (GRCh38, chr1:9,715,730, plus strand): 5'-GACGTGCAGCCCTTCCTGCCCGTCCTGCGCCTGGTGGCCCGTGAGGGCGACCGCGTGAAG[A>C]AGCTCATCAACTCACAGATCAGCCTCCTCATCGGCAAAGGTAGCTCTGCCGAGTGGGCCG-3'
Protein context (NP_005017.3, residues 101-121): LVAREGDRVK[Lys111Gln]LINSQISLLI